The following is an entry in ClinVar:

NM_004218.4(RAB11B):c.471T>G (p.Asp157Glu)

Gene: RAB11B (RAB11B, member RAS oncogene family; plus strand). Cytogenetic location: 19p13.2.
Variant type: single nucleotide variant.
Coding change: c.471T>G on transcript NM_004218.4 (MANE Select); coding-DNA position 471, T replaced by G.
Protein change: p.Asp157Glu; replaces aspartic acid 157 with glutamic acid.
Molecular consequence: missense variant.
Genome position (GRCh38, 1-based): chr19:8,402,525, T>G. VCF-style: chr19-8402525-T-G. GRCh37 (hg19) VCF-style: chr19-8467409-T-G.
Other names: short protein forms D157E.
Identifiers: ClinVar variation 2142948 (VCV002142948.4), dbSNP rs748820048, ClinGen allele CA9156374.
Genomic context (GRCh38, chr19:8,402,525, plus strand): 5'-GGCAGTATTCTTTGTTCCAGAAAAGAACAACTTGTCCTTCATCGAGACCTCAGCCTTGGA[T>G]TCCACTAACGTAGAGGAAGCATTCAAGAACATCCTCACAGGTGGCCGGGGACCAGATGGG-3'
Protein context (NP_004209.2, residues 147-167): NLSFIETSAL[Asp157Glu]STNVEEAFKN

ClinVar aggregate classification (germline): Uncertain significance (1 of 4 stars; one submission).

Allele frequency attached by ClinVar (database versions not stated): gnomAD exomes below 0.00001; ExAC 0.00001.
gnomAD v4.1: 2 of 1,614,084 alleles (0.00012%); highest among the groups gnomAD compares: Admixed American, 0.0017%; no homozygotes.

Submission:

Labcorp Genetics (formerly Invitae), Labcorp
Classification: Uncertain significance. Last evaluated: 2023-12-11. Review status: criteria provided, single submitter. Criteria: Invitae Variant Classification Sherloc (09022015). Collection method: clinical testing. Allele origin: germline.
Comment: This sequence change replaces aspartic acid, which is acidic and polar, with glutamic acid, which is acidic and polar, at codon 157 of the RAB11B protein (p.Asp157Glu). This variant is present in population databases (rs748820048, gnomAD no frequency). This variant has not been reported in the literature in individuals affected with RAB11B-related conditions. ClinVar contains an entry for this variant (Variation ID: 2142948). An algorithm developed to predict the effect of missense changes on protein structure and function (PolyPhen-2) suggests that this variant is likely to be tolerated. In summary, the available evidence is currently insufficient to determine the role of this variant in disease. Therefore, it has been classified as a Variant of Uncertain Significance.